The following is an entry in ClinVar:

NM_001385012.1(NBEA):c.3894C>A (p.Asp1298Glu)

Gene: NBEA (neurobeachin; plus strand). Cytogenetic location: 13q13.3.
Variant type: single nucleotide variant.
Coding change: c.3894C>A on transcript NM_001385012.1 (MANE Select); coding-DNA position 3894, C replaced by A.
Protein change: p.Asp1298Glu; replaces aspartic acid 1298 with glutamic acid.
Molecular consequence: missense variant.
Genome position (GRCh38, 1-based): chr13:35,161,782, C>A. VCF-style: chr13-35161782-C-A. GRCh37 (hg19) VCF-style: chr13-35735919-C-A.
Other names: c.3894C>A, p.Asp1298Glu (NM_001379245.1, NM_015678.5); short protein forms D1298E.
Identifiers: ClinVar variation 978134 (VCV000978134.2), dbSNP rs2069582666, ClinGen allele CA387839608.
Genomic context (GRCh38, chr13:35,161,782, plus strand): 5'-CACAAAAGTTCATCTTTTCCTTCTTTAGGCTGTGCAGGGTCGGTCTATCACCCAACAAGA[C>A]CGAGATCTCCGAGTTGATTTAGGATTTCGAGGAATGCCAATGACTGAGGAACAGCGACGC-3'
Protein context (NP_001371941.1, residues 1288-1308): AVQGRSITQQ[Asp1298Glu]RDLRVDLGFR

ClinVar aggregate classification (germline): Likely pathogenic (1 of 4 stars; one submission).

Conditions:
Neurodevelopmental disorder with or without early-onset generalized epilepsy. Identifiers: MedGen C5436914, MONDO:0030930, OMIM 619157.

Submission:

New York Genome Center
Classification: Likely pathogenic for Neurodevelopmental disorder with or without early-onset generalized epilepsy. Last evaluated: 2020-02-11. Review status: criteria provided, single submitter. Criteria: NYGC Assertion Criteria 2020. Collection method: clinical testing. Allele origin: de novo. Affected: yes. Observed: 1 heterozygote. Study: CSER-NYCKidSeq.
Comment: The c.3894CA,p.Asp1298Glu missense variant in the NBEA gene has not been reported in the available literature. The variant is absent from the gnomAD database, indicating this is a rare allele. In silico tools, SIFT, PolyPhen, REVEL, and CADD predict conflicting evidence of pathogenicity. Based on the available evidence, the de novo c.3894C>A,p.Asp1298Glu variant in the NBEA gene is classified as likely pathogenic.